The following is an entry in ClinVar:

ClinVar aggregate classification (germline): Uncertain significance (1 of 4 stars; one submission).

Conditions:
Cardiovascular phenotype. Identifiers: MedGen CN230736.

Submission:

Ambry Genetics
Classification: Uncertain significance for Cardiovascular phenotype. Last evaluated: 2024-04-17. Review status: criteria provided, single submitter. Criteria: Ambry Variant Classification Scheme 2023. Collection method: clinical testing. Allele origin: germline.
Comment: The p.R1646M variant (also known as c.4937G>T), located in coding exon 40 of the CACNA1C gene, results from a G to T substitution at nucleotide position 4937. The arginine at codon 1646 is replaced by methionine, an amino acid with similar properties. This amino acid position is highly conserved in available vertebrate species. In addition, the in silico prediction for this alteration is inconclusive. Based on the available evidence, the clinical significance of this variant remains unclear.

NM_000719.7(CACNA1C):c.4937G>T (p.Arg1646Met)

Genes: CACNA1C (calcium voltage-gated channel subunit alpha1 C; plus strand), CACNA1C-AS1 (CACNA1C antisense RNA 1; minus strand). Cytogenetic location: 12p13.33.
Variant type: single nucleotide variant.
Coding change: c.4937G>T on transcript NM_000719.7 (MANE Select); coding-DNA position 4937, G replaced by T.
Protein change: p.Arg1646Met; replaces arginine 1646 with methionine.
Molecular consequence: missense variant. On other transcripts: non-coding transcript variant (1).
Genome position (GRCh38, 1-based): chr12:2,677,202, G>T. VCF-style: chr12-2677202-G-T. GRCh37 (hg19) VCF-style: chr12-2786368-G-T.
Other names: c.5081G>T, p.Arg1694Met (NM_001129827.2, NM_199460.4); c.5060G>T, p.Arg1687Met (NM_001129829.2); c.4937G>T, p.Arg1646Met (NM_001129830.3, NM_001129840.2, NM_001129841.2 and 4 more transcripts); c.5021G>T, p.Arg1674Met (NM_001129831.2); c.4997G>T, p.Arg1666Met (NM_001129832.2); c.4994G>T, p.Arg1665Met (NM_001129833.2, NM_001129834.2, NM_001129835.2); c.4988G>T, p.Arg1663Met (NM_001129836.2); c.4961G>T, p.Arg1654Met (NM_001129837.2, NM_001129838.2); and 3 more; short protein forms R1643M, R1646M, R1665M, R1652M, R1666M, R1635M, R1687M, R1654M.
Identifiers: ClinVar variation 3262709 (VCV003262709.1).